The following is an entry in ClinVar:

NM_004100.5(EYA4):c.407A>G (p.His136Arg)

Gene: EYA4 (EYA transcriptional coactivator and phosphatase 4; plus strand). Cytogenetic location: 6q23.2.
Variant type: single nucleotide variant.
Coding change: c.407A>G on transcript NM_004100.5 (MANE Select); coding-DNA position 407, A replaced by G.
Protein change: p.His136Arg; replaces histidine 136 with arginine.
Molecular consequence: missense variant.
Genome position (GRCh38, 1-based): chr6:133,461,150, A>G. VCF-style: chr6-133461150-A-G. GRCh37 (hg19) VCF-style: chr6-133782288-A-G.
Other names: c.245A>G, p.His82Arg (NM_001301012.2, NM_001370459.1); c.407A>G, p.His136Arg (NM_001301013.2, NM_172105.4); c.338A>G, p.His113Arg (NM_001370458.1, NM_172103.4); short protein forms H136R, H82R, H113R.
Identifiers: ClinVar variation 1520089 (VCV001520089.9), dbSNP rs751662203, ClinGen allele CA4008052.

ClinVar aggregate classification (germline): Uncertain significance. Review status: criteria provided, multiple submitters, no conflicts (2 of 4 stars). 3 submissions from 3 submitters: Uncertain significance (3). Last evaluated 2024-10-07.

Conditions:
Dilated cardiomyopathy 1J (CMD1J). Also called: CARDIOMYOPATHY, DILATED, WITH SENSORINEURAL HEARING LOSS, AUTOSOMAL DOMINANT. Identifiers: Orphanet 217622, MedGen C1854368, MONDO:0011541, OMIM 605362.
Cardiovascular phenotype. Identifiers: MedGen CN230736.

Allele frequency attached by ClinVar (database versions not stated): gnomAD exomes below 0.00001 and 0.00001; ExAC 0.00001; gnomAD 0.00001; TOPMed 0.00001.
gnomAD v4.1: 5 of 1,613,266 alleles (0.00031%); highest among the groups gnomAD compares: African/African-American, 0.0067%; no homozygotes.

Submissions (3):

Labcorp Genetics (formerly Invitae), Labcorp
Classification: Uncertain significance for Dilated cardiomyopathy 1J. Last evaluated: 2024-10-07. Review status: criteria provided, single submitter. Criteria: Invitae Variant Classification Sherloc (09022015). Collection method: clinical testing. Allele origin: germline.
Comment: This sequence change replaces histidine, which is basic and polar, with arginine, which is basic and polar, at codon 136 of the EYA4 protein (p.His136Arg). This variant is present in population databases (rs751662203, gnomAD 0.007%). This variant has not been reported in the literature in individuals affected with EYA4-related conditions. ClinVar contains an entry for this variant (Variation ID: 1520089). Invitae Evidence Modeling of protein sequence and biophysical properties (such as structural, functional, and spatial information, amino acid conservation, physicochemical variation, residue mobility, and thermodynamic stability) indicates that this missense variant is not expected to disrupt EYA4 protein function with a negative predictive value of 80%. In summary, the available evidence is currently insufficient to determine the role of this variant in disease. Therefore, it has been classified as a Variant of Uncertain Significance.

GeneDx
Classification: Uncertain significance. Last evaluated: 2024-08-09. Review status: criteria provided, single submitter. Criteria: GeneDx Variant Classification Process June 2021. Collection method: clinical testing. Allele origin: germline. Affected: yes.
Comment: Not observed at significant frequency in large population cohorts (gnomAD); In silico analysis indicates that this missense variant does not alter protein structure/function; Has not been previously published as pathogenic or benign to our knowledge

Ambry Genetics
Classification: Uncertain significance for Cardiovascular phenotype. Last evaluated: 2020-12-09. Review status: criteria provided, single submitter. Criteria: Ambry Variant Classification Scheme 2023. Collection method: clinical testing. Allele origin: germline.
Comment: The p.H136R variant (also known as c.407A>G), located in coding exon 6 of the EYA4 gene, results from an A to G substitution at nucleotide position 407. The histidine at codon 136 is replaced by arginine, an amino acid with highly similar properties. This amino acid position is highly conserved in available vertebrate species. In addition, the in silico prediction for this alteration is inconclusive. Since supporting evidence is limited at this time, the clinical significance of this alteration remains unclear.